The following is an entry in ClinVar:

NM_001365902.3(NFIX):c.28-345G>C

Gene: NFIX (nuclear factor I X; plus strand). Cytogenetic location: 19p13.13.
Variant type: single nucleotide variant.
Coding change: c.28-345G>C on transcript NM_001365902.3 (MANE Select); 345 bases into the intron before coding-DNA position 28, G replaced by C.
Molecular consequence: intron variant. On other transcripts: missense variant (2), 5 prime UTR variant (1).
Genome position (GRCh38, 1-based): chr19:13,024,676, G>C. VCF-style: chr19-13024676-G-C. GRCh37 (hg19) VCF-style: chr19-13135490-G-C.
Other names: c.43G>C, p.Ala15Pro (NM_001271043.2); c.-121G>C (NM_001365983.2); c.32G>C, p.Ser11Thr (NM_001378405.1); c.28-345G>C (NM_002501.4, NM_001365982.2); c.4-345G>C (NM_001378404.1, NM_001271044.3); short protein forms A15P, S11T.
Identifiers: ClinVar variation 3629938 (VCV003629938.1).

ClinVar aggregate classification (germline): Uncertain significance (1 of 4 stars; one submission).

Submission:

Women's Health and Genetics/Laboratory Corporation of America, LabCorp
Classification: Uncertain significance. Last evaluated: 2024-11-21. Review status: criteria provided, single submitter. Criteria: LabCorp Variant Classification Summary - May 2015. Collection method: clinical testing. Allele origin: germline.
Comment: Variant summary: NFIX c.28-345G>C is located at a position not widely known to affect splicing. The frequency data for this variant in gnomAD is considered unreliable, as metrics indicate poor data quality at this position. The variant results in a missense change in another transcript (c.43G>C/p.Ala15Pro, NM_001271043). To our knowledge, no occurrence of c.28-345G>C in individuals affected with Sotos Syndrome 2 and no experimental evidence demonstrating its impact on protein function have been reported. No submitters have cited clinical-significance assessments for this variant to ClinVar. Based on the evidence outlined above, the variant was classified as uncertain significance.